The following is an entry in ClinVar:

ClinVar aggregate classification (germline): Likely benign (1 of 4 stars; one submission).

Allele frequency attached by ClinVar (database versions not stated): gnomAD exomes 0.00001; TOPMed 0.00005; gnomAD 0.00006; ExAC 0.00007.
gnomAD v4.1: 19 of 1,208,478 alleles (0.0016%); highest among the groups gnomAD compares: African/African-American, 0.012%; no homozygotes.

Submission:

CeGaT Center for Human Genetics Tuebingen
Classification: Likely benign. Last evaluated: 2022-12-01. Review status: criteria provided, single submitter. Criteria: CeGaT Center For Human Genetics Tuebingen Variant Classification Criteria Version 2. Collection method: clinical testing. Allele origin: germline. Affected: yes. Observed: 1 variant allele.
Comment: WDR13: BP4, BP7, BS2

NM_001347217.2(WDR13):c.579C>T (p.Leu193=)

Gene: WDR13 (WD repeat domain 13; plus strand). Cytogenetic location: Xp11.23.
Variant type: single nucleotide variant.
Coding change: c.579C>T on transcript NM_001347217.2 (MANE Select); coding-DNA position 579, C replaced by T.
Protein change: p.Leu193=; no amino-acid change (leucine 193 retained).
Molecular consequence: synonymous variant. On other transcripts: non-coding transcript variant (1).
Genome position (GRCh38, 1-based): chrX:48,600,374, C>T. VCF-style: chrX-48600374-C-T. GRCh37 (hg19) VCF-style: chrX-48458762-C-T.
Other names: c.303C>T, p.Leu101= (NM_001166426.3, NM_001347219.2); c.579C>T, p.Leu193= (NM_017883.6).
Identifiers: ClinVar variation 2660460 (VCV002660460.24), dbSNP rs781931108, ClinGen allele CA10403694.
Genomic context (GRCh38, chrX:48,600,374, plus strand): 5'-TGCAGTCCCAAGGGTGCGCTTCGCCAATGATGACCGACACCGCCTGGCCTGCTGCTCACT[C>T]GACGGCAGCATCTCCCTGTGCCAGCTGGTGCCTGCCCCACCCACAGTGCTTCGCGTGCTA-3'
Protein context (NP_001334146.1, residues 183-203): DDRHRLACCS[Leu193=]DGSISLCQLV